The following is an entry in ClinVar:

NM_181458.4(PAX3):c.1065C>A (p.Cys355Ter)

Genes: PAX3 (paired box 3; minus strand), LOC126806529 (CDK7 strongly-dependent group 2 enhancer GRCh37_chr2:223084735-223085934; plus strand). Cytogenetic location: 2q36.1.
Variant type: single nucleotide variant.
Coding change: c.1065C>A on transcript NM_181458.4 (MANE Select); coding-DNA position 1065, C replaced by A.
Protein change: p.Cys355Ter; replaces cysteine 355 with a stop codon.
Molecular consequence: nonsense.
Genome position (GRCh38, 1-based): chr2:222,220,248, G>T on the plus strand (C>A on the coding strand, the complement: PAX3 is on the minus strand). VCF-style: chr2-222220248-G-T. GRCh37 (hg19) VCF-style: chr2-223084967-G-T.
Other names: c.1062C>A, p.Cys354Ter (NM_001127366.3); c.1065C>A, p.Cys355Ter (NM_181457.4, NM_181459.4, NM_181460.4 and 1 more transcripts); short protein forms C354*, C355*.
Identifiers: ClinVar variation 3601569 (VCV003601569.1).
Genomic context (GRCh38, chr2:222,220,248, plus strand): 5'-CCCCGACGGAGGCACAAAGCTGTCTGTATAGCTGGAAAATCCATGCCTGGTGCTGGGGAG[G>T]CAGTAGGCAGAGCTGCTGTCTGGGTTGGAAGGAATCGTGCTTTGGTGTACAGTGCTTGGA-3'

ClinVar aggregate classification (germline): Likely pathogenic (1 of 4 stars; one submission).

Conditions:
Waardenburg syndrome type 1 (WS1). Also called: WAARDENBURG SYNDROME WITH DYSTOPIA CANTHORUM; Waardenburg Syndrome Type I. Identifiers: Orphanet 894, MedGen C1847800, MONDO:0008670, OMIM 193500.

Submission:

Institute of Rare Diseases, West China Hospital, Sichuan University
Classification: Likely pathogenic for Waardenburg syndrome type 1. Last evaluated: 2025-01-09. Review status: criteria provided, single submitter. Criteria: ClinGen HL ACMG Specifications v1. Collection method: research. Allele origin: germline. Affected: yes.
Comment: PVS1;PM2_Supporting